The following is an entry in ClinVar:

ClinVar aggregate classification (germline): Pathogenic/Likely pathogenic. Review status: criteria provided, multiple submitters, no conflicts (2 of 4 stars). 2 submissions from 2 submitters: Pathogenic (1); Likely pathogenic (1). Last evaluated 2025-02-05.

Conditions:
Maple syrup urine disease (MSUD). Identifiers: Orphanet 511, MedGen C0024776, MeSH D008375, MONDO:0009563. Disease mechanism: loss of function.
Maple syrup urine disease type 1A (MSUD1A). Also called: MSUD type 1A. Identifiers: MedGen C1855369, MONDO:0023691, OMIM 248600.

Allele frequency attached by ClinVar (database versions not stated): gnomAD exomes below 0.00001.

Submissions (2):

Natera, Inc.
Classification: Likely pathogenic for Maple syrup urine disease type 1A. Last evaluated: 2025-02-05. Review status: criteria provided, single submitter. Criteria: Natera Variant Classification Schema (03/2026). Collection method: clinical testing. Allele origin: germline.
Comment: The c.367C>T variant in BCKDHA is a nonsense variant predicted to introduce a stop codon at amino acid 123. This variant is expected to result in nonsense mediated decay, truncation, or a dysfunctional protein product. This variant is rare in the general population with a frequency below the threshold expected for the associated phenotype(s). Given the available evidence, this variant is classified as Likely Pathogenic.

Labcorp Genetics (formerly Invitae), Labcorp
Classification: Pathogenic for Maple syrup urine disease. Last evaluated: 2019-08-21. Review status: criteria provided, single submitter. Criteria: Invitae Variant Classification Sherloc (09022015). Collection method: clinical testing. Allele origin: germline.
Comment: For these reasons, this variant has been classified as Pathogenic. Loss-of-function variants in BCKDHA are known to be pathogenic (PMID: 16786533, 22593002). This sequence change creates a premature translational stop signal (p.Gln123*) in the BCKDHA gene. It is expected to result in an absent or disrupted protein product. This variant is not present in population databases (ExAC no frequency). This variant has not been reported in the literature in individuals with BCKDHA-related conditions.

Literature cited by the submitters: PubMed 16786533 (cited by Labcorp Genetics (formerly Invitae), Labcorp); PubMed 22593002 (cited by Labcorp Genetics (formerly Invitae), Labcorp).

NM_000709.4(BCKDHA):c.367C>T (p.Gln123Ter)

Gene: BCKDHA (branched chain keto acid dehydrogenase E1 subunit alpha; plus strand). Cytogenetic location: 19q13.2.
Variant type: single nucleotide variant.
Coding change: c.367C>T on transcript NM_000709.4 (MANE Select); coding-DNA position 367, C replaced by T.
Protein change: p.Gln123Ter; replaces glutamine 123 with a stop codon.
Molecular consequence: nonsense.
Genome position (GRCh38, 1-based): chr19:41,411,001, C>T. VCF-style: chr19-41411001-C-T. GRCh37 (hg19) VCF-style: chr19-41916906-C-T.
Other names: c.367C>T, p.Gln123Ter (NM_001164783.2); short protein forms Q123*.
Identifiers: ClinVar variation 961802 (VCV000961802.9), dbSNP rs2039247540, ClinGen allele CA406006048.